The following is an entry in ClinVar:

ClinVar aggregate classification (germline): Uncertain significance (1 of 4 stars; one submission).

Submission:

Women's Health and Genetics/Laboratory Corporation of America, LabCorp
Classification: Uncertain significance. Last evaluated: 2024-07-18. Review status: criteria provided, single submitter. Criteria: LabCorp Variant Classification Summary - May 2015. Collection method: clinical testing. Allele origin: germline.
Comment: Variant summary: TSC2 c.1355T>G (p.Phe452Cys) results in a non-conservative amino acid change located in the Tuberin, N-terminal domain of the encoded protein sequence. Five of five in-silico tools predict a damaging effect of the variant on protein function. The frequency data for this variant in gnomAD is considered unreliable, as metrics indicate poor data quality at this position. To our knowledge, no occurrence of c.1355T>G in individuals affected with Tuberous Sclerosis Complex and no experimental evidence demonstrating its impact on protein function have been reported. No submitters have cited clinical-significance assessments for this variant to ClinVar. Based on the evidence outlined above, the variant was classified as uncertain significance.

NM_000548.5(TSC2):c.1355T>G (p.Phe452Cys)

Gene: TSC2 (TSC complex subunit 2; plus strand). Cytogenetic location: 16p13.3.
Variant type: single nucleotide variant.
Coding change: c.1355T>G on transcript NM_000548.5 (MANE Select); coding-DNA position 1355, T replaced by G.
Protein change: p.Phe452Cys; replaces phenylalanine 452 with cysteine.
Molecular consequence: missense variant. On other transcripts: 5 prime UTR variant (1), non-coding transcript variant (5).
Genome position (GRCh38, 1-based): chr16:2,062,594, T>G. VCF-style: chr16-2062594-T-G. GRCh37 (hg19) VCF-style: chr16-2112595-T-G.
Other names: c.1355T>G, p.Phe452Cys (NM_001077183.3, NM_001114382.3, NM_001363528.2 and 6 more transcripts); c.1244T>G, p.Phe415Cys (NM_001318827.2, NM_001406670.1, NM_001406678.1); c.1208T>G, p.Phe403Cys (NM_001318829.2, NM_001406675.1, NM_001406676.1 and 1 more transcripts); c.755T>G, p.Phe252Cys (NM_001318831.2, NM_001406680.1, NM_001406682.1 and 6 more transcripts); c.1388T>G, p.Phe463Cys (NM_001318832.2); c.1445T>G, p.Phe482Cys (NM_001406667.1, NM_001406668.1); c.1343T>G, p.Phe448Cys (NM_001406671.1, NM_001406673.1); c.1298T>G, p.Phe433Cys (NM_001406677.1); and 3 more; short protein forms F252C, F298C, F403C, F415C, F433C, F448C, F452C, F463C.
Identifiers: ClinVar variation 3339448 (VCV003339448.1).